The following is an entry in ClinVar:

NM_004958.4(MTOR):c.4941T>G (p.His1647Gln)

Gene: MTOR (mechanistic target of rapamycin kinase; minus strand). Cytogenetic location: 1p36.22.
Variant type: single nucleotide variant.
Coding change: c.4941T>G on transcript NM_004958.4 (MANE Select); coding-DNA position 4941, T replaced by G.
Protein change: p.His1647Gln; replaces histidine 1647 with glutamine.
Molecular consequence: missense variant.
Genome position (GRCh38, 1-based): chr1:11,139,590, A>C on the plus strand (T>G on the coding strand, the complement: MTOR is on the minus strand). VCF-style: chr1-11139590-A-C. GRCh37 (hg19) VCF-style: chr1-11199647-A-C.
Other names: c.4941T>G (LRG_734t1); short protein forms H1647Q.
Identifiers: ClinVar variation 408298 (VCV000408298.63), dbSNP rs144984370, ClinGen allele CA589495.

ClinVar aggregate classification (germline): Benign/Likely benign. Review status: criteria provided, multiple submitters, no conflicts (2 of 4 stars). 5 submissions from 5 submitters: Benign (1); Likely benign (3). 1 of the submissions does not count toward it. Last evaluated 2025-12-01.

Conditions:
MTOR-related disorder. Also called: MTOR-related condition.

Allele frequency attached by ClinVar (database versions not stated): ExAC 0.00015; 1000 Genomes Project 30x 0.00016; gnomAD exomes 0.00016 and 0.00052; 1000 Genomes Project 0.00020; TOPMed 0.00023; gnomAD 0.00025 and 0.00026; ESP Exome Variant Server 0.00038.
gnomAD v4.1: 779 of 1,614,188 alleles (0.048%); highest among the groups gnomAD compares: Non-Finnish European, 0.064%; 2 homozygotes.

Submissions (6):

Labcorp Genetics (formerly Invitae), Labcorp
Classification: Benign. Last evaluated: 2025-12-01. Review status: criteria provided, single submitter. Criteria: Invitae Variant Classification Sherloc (09022015). Collection method: clinical testing. Allele origin: germline.

Blueprint Genetics
Classification: Likely benign. Last evaluated: 2024-11-21. Review status: criteria provided, single submitter. Criteria: ACMG Guidelines, 2015. Collection method: clinical testing. Allele origin: germline.

GeneDx
Classification: Likely benign. Last evaluated: 2023-11-18. Review status: criteria provided, single submitter. Criteria: GeneDx Variant Classification Process June 2021. Collection method: clinical testing. Allele origin: germline. Affected: yes.
Comment: See Variant Classification Assertion Criteria.

CeGaT Center for Human Genetics Tuebingen
Classification: Likely benign. Last evaluated: 2023-11-01. Review status: criteria provided, single submitter. Criteria: CeGaT Center For Human Genetics Tuebingen Variant Classification Criteria Version 2. Collection method: clinical testing. Allele origin: germline. Affected: yes. Observed: 5 variant alleles.
Comment: MTOR: PP2, BS1

PreventionGenetics, part of Exact Sciences
Classification: Likely benign for MTOR-related condition. Last evaluated: 2024-02-26. Review status: no assertion criteria provided. Collection method: clinical testing. Allele origin: germline. Not counted in ClinVar's aggregate classification.
Comment: This variant is classified as likely benign based on ACMG/AMP sequence variant interpretation guidelines (Richards et al. 2015 PMID: 25741868, with internal and published modifications).

Dr. Peter K. Rogan Lab, Western University
No classification provided (evidence only). Condition: Malignant tumor of esophagus. Review status: no classification provided. Collection method: in vitro. Allele origin: not applicable. Functional consequence: retained intron. Not counted in ClinVar's aggregate classification.